The following is an entry in ClinVar:

ClinVar aggregate classification (germline): Likely pathogenic (1 of 4 stars; one submission).

Submission:

GeneDx
Classification: Likely pathogenic. Last evaluated: 2018-10-16. Review status: criteria provided, single submitter. Criteria: GeneDx Variant Classification (06012015). Collection method: clinical testing. Allele origin: germline. Affected: yes.
Comment: The G29936X likely pathogenic variant in the TTN gene has not been published as pathogenic or been reported as benign to our knowledge. G29936X is predicted to cause loss of normal protein function either by protein truncation or nonsense-mediated mRNA decay. Other truncating TTN variants have been reported in approximately 3% of control alleles (Herman et al., 2012). However, G29936X is located in the A-band region of titin, where the majority of truncating pathogenic variants associated with DCM have been reported (Herman et al., 2012). Furthermore, the G29936X variant has not been observed in large population cohorts (Lek et al., 2016). Nevertheless, G29936X lacks observation in a significant number of affected individuals, segregation data, and functional evidence, which would further support its pathogenicity.

NM_001267550.2(TTN):c.94729G>T (p.Gly31577Ter)

Genes: TTN (titin; minus strand), TTN-AS1 (TTN antisense RNA 1; plus strand). Cytogenetic location: 2q31.2.
Variant type: single nucleotide variant.
Coding change: c.94729G>T on transcript NM_001267550.2 (MANE Select); coding-DNA position 94729, G replaced by T.
Protein change: p.Gly31577Ter; replaces glycine 31577 with a stop codon.
Molecular consequence: nonsense.
Genome position (GRCh38, 1-based): chr2:178,546,699, C>A on the plus strand (G>T on the coding strand, the complement: TTN is on the minus strand). VCF-style: chr2-178546699-C-A. GRCh37 (hg19) VCF-style: chr2-179411426-C-A.
Other names: c.89806G>T, p.Gly29936Ter (NM_001256850.1); c.67534G>T, p.Gly22512Ter (NM_003319.4); c.87025G>T, p.Gly29009Ter (NM_133378.4); c.67909G>T, p.Gly22637Ter (NM_133432.3); c.68110G>T, p.Gly22704Ter (NM_133437.4); short protein forms G29936*, G31577*, G22512*, G29009*, G22637*, G22704*.
Identifiers: ClinVar variation 620415 (VCV000620415.1), dbSNP rs1559151333, ClinGen allele CA349470923.